The following is an entry in ClinVar:

ClinVar aggregate classification (germline): Uncertain significance (1 of 4 stars; one submission).

Submission:

Labcorp Genetics (formerly Invitae), Labcorp
Classification: Uncertain significance. Last evaluated: 2020-11-04. Review status: criteria provided, single submitter. Criteria: Invitae Variant Classification Sherloc (09022015). Collection method: clinical testing. Allele origin: germline.
Comment: In summary, the available evidence is currently insufficient to determine the role of this variant in disease. Therefore, it has been classified as a Variant of Uncertain Significance. Algorithms developed to predict the effect of missense changes on protein structure and function are either unavailable or do not agree on the potential impact of this missense change (SIFT: "Deleterious"; PolyPhen-2: "Not Available"; Align-GVGD: "Class C0"). This variant has not been reported in the literature in individuals with CDH23-related conditions. This variant is not present in population databases (ExAC no frequency). This sequence change replaces valine with alanine at codon 167 of the CDH23 protein (p.Val167Ala). The valine residue is highly conserved and there is a small physicochemical difference between valine and alanine.

NM_022124.6(CDH23):c.500T>C (p.Val167Ala)

Gene: CDH23 (cadherin related 23; plus strand). Cytogenetic location: 10q22.1.
Variant type: single nucleotide variant.
Coding change: c.500T>C on transcript NM_022124.6 (MANE Select); coding-DNA position 500, T replaced by C.
Protein change: p.Val167Ala; replaces valine 167 with alanine.
Molecular consequence: missense variant.
Genome position (GRCh38, 1-based): chr10:71,566,812, T>C. VCF-style: chr10-71566812-T-C. GRCh37 (hg19) VCF-style: chr10-73326569-T-C.
Other names: c.500T>C, p.Val167Ala (NM_001171930.2, NM_001171931.2, NM_001171932.2 and 1 more transcripts); short protein forms V167A.
Identifiers: ClinVar variation 961141 (VCV000961141.9), dbSNP rs1857431173, ClinGen allele CA377111915.